The following is an entry in ClinVar:

NM_000553.6(WRN):c.2912A>C (p.Asp971Ala)

Gene: WRN (WRN RecQ like helicase; plus strand). Cytogenetic location: 8p12.
Variant type: single nucleotide variant.
Coding change: c.2912A>C on transcript NM_000553.6 (MANE Select); coding-DNA position 2912, A replaced by C.
Protein change: p.Asp971Ala; replaces aspartic acid 971 with alanine.
Molecular consequence: missense variant.
Genome position (GRCh38, 1-based): chr8:31,132,451, A>C. VCF-style: chr8-31132451-A-C. GRCh37 (hg19) VCF-style: chr8-30989967-A-C.
Other names: short protein forms D971A.
Identifiers: ClinVar variation 650360 (VCV000650360.1), dbSNP rs1585502189, ClinGen allele CA370919099.

ClinVar aggregate classification (germline): Uncertain significance (1 of 4 stars; one submission).

Conditions:
Werner syndrome (WRN). Identifiers: Orphanet 902, MedGen C0043119, MONDO:0010196, OMIM 277700.

Allele frequency attached by ClinVar (database versions not stated): gnomAD exomes below 0.00001.
gnomAD v4.1: 3 of 1,614,148 alleles (0.00019%); highest among the groups gnomAD compares: Non-Finnish European, 0.00025%; no homozygotes.

Submission:

Labcorp Genetics (formerly Invitae), Labcorp
Classification: Uncertain significance for Werner syndrome. Last evaluated: 2018-08-24. Review status: criteria provided, single submitter. Criteria: Invitae Variant Classification Sherloc (09022015). Collection method: clinical testing. Allele origin: germline.
Comment: This sequence change replaces aspartic acid with alanine at codon 971 of the WRN protein (p.Asp971Ala). The aspartic acid residue is weakly conserved and there is a moderate physicochemical difference between aspartic acid and alanine. This variant is not present in population databases (ExAC no frequency). This variant has not been reported in the literature in individuals with WRN-related disease. Algorithms developed to predict the effect of missense changes on protein structure and function output the following: SIFT: "Tolerated"; PolyPhen-2: "Benign"; Align-GVGD: "Class C0". The alanine amino acid residue is found in multiple mammalian species, suggesting that this missense change does not adversely affect protein function. These predictions have not been confirmed by published functional studies and their clinical significance is uncertain. In summary, the available evidence is currently insufficient to determine the role of this variant in disease. Therefore, it has been classified as a Variant of Uncertain Significance.